The following is an entry in ClinVar:

NM_002439.5(MSH3):c.823C>G (p.His275Asp)

Gene: MSH3 (mutS homolog 3; plus strand). Cytogenetic location: 5q14.1.
Variant type: single nucleotide variant.
Coding change: c.823C>G on transcript NM_002439.5 (MANE Select); coding-DNA position 823, C replaced by G.
Protein change: p.His275Asp; replaces histidine 275 with aspartic acid.
Molecular consequence: missense variant.
Genome position (GRCh38, 1-based): chr5:80,672,274, C>G. VCF-style: chr5-80672274-C-G. GRCh37 (hg19) VCF-style: chr5-79968093-C-G.
Other names: short protein forms H275D.
Identifiers: ClinVar variation 1762578 (VCV001762578.2), dbSNP rs922169592, ClinGen allele CA360267112.

ClinVar aggregate classification (germline): Uncertain significance (1 of 4 stars; one submission).

Conditions:
Hereditary cancer-predisposing syndrome. Also called: Neoplastic Syndromes, Hereditary; Tumor predisposition; Hereditary Cancer Syndrome; Hereditary neoplastic syndrome. Identifiers: Orphanet 140162, MedGen C0027672, MeSH D009386, MONDO:0015356.

Submission:

Ambry Genetics
Classification: Uncertain significance for Hereditary cancer-predisposing syndrome. Last evaluated: 2021-12-21. Review status: criteria provided, single submitter. Criteria: Ambry Variant Classification Scheme 2023. Collection method: clinical testing. Allele origin: germline.
Comment: The p.H275D variant (also known as c.823C>G), located in coding exon 5 of the MSH3 gene, results from a C to G substitution at nucleotide position 823. The histidine at codon 275 is replaced by aspartic acid, an amino acid with similar properties. This amino acid position is conserved. In addition, this alteration is predicted to be deleterious by in silico analysis. Since supporting evidence is limited at this time, the clinical significance of this alteration remains unclear.